The following is an entry in ClinVar:

NM_080860.4(RSPH1):c.870G>A (p.Met290Ile)

Gene: RSPH1 (radial spoke head component 1; minus strand). Cytogenetic location: 21q22.3.
Variant type: single nucleotide variant.
Coding change: c.870G>A on transcript NM_080860.4 (MANE Select); coding-DNA position 870, G replaced by A.
Protein change: p.Met290Ile; replaces methionine 290 with isoleucine.
Molecular consequence: missense variant.
Genome position (GRCh38, 1-based): chr21:42,475,905, C>T on the plus strand (G>A on the coding strand, the complement: RSPH1 is on the minus strand). VCF-style: chr21-42475905-C-T. GRCh37 (hg19) VCF-style: chr21-43896015-C-T.
Other names: c.756G>A, p.Met252Ile (NM_001286506.2); short protein forms M290I, M252I.
Identifiers: ClinVar variation 241792 (VCV000241792.15), dbSNP rs140450252, ClinGen allele CA10043724.
Genomic context (GRCh38, chr21:42,475,905, plus strand): 5'-TCGTGGCCCCTAAGTGCGGGCCCTCGCCCCACTTCCCTGCGCAGGGACCTCACCCTCATC[C>T]ATGTCATAGCGGAACTCCTCCTGGTCATACTCCCGGCTCTCTTCCCGGAGGACGTCTGCA-3'
Protein context (NP_543136.1, residues 280-300): EYDQEEFRYD[Met290Ile]DEGNINSEEE

ClinVar aggregate classification (germline): Likely benign. Review status: criteria provided, multiple submitters, no conflicts (2 of 4 stars). 3 submissions from 3 submitters: Likely benign (2). 1 of the submissions does not count toward it. Last evaluated 2026-01-02.

Conditions:
RSPH1-related disorder. Also called: RSPH1-related condition.
Primary ciliary dyskinesia. Also called: Ciliary dyskinesia. Identifiers: Orphanet 244, MedGen C0008780, MONDO:0016575, HP:0012265.

Allele frequency attached by ClinVar (database versions not stated): gnomAD exomes 0.00013 and 0.00035; ExAC 0.00045; 1000 Genomes Project 30x 0.00094; 1000 Genomes Project 0.00100; gnomAD 0.00123 and 0.00132; TOPMed 0.00136; ESP Exome Variant Server 0.00154.

Submissions (3):

Labcorp Genetics (formerly Invitae), Labcorp
Classification: Likely benign for Primary ciliary dyskinesia. Last evaluated: 2026-01-02. Review status: criteria provided, single submitter. Criteria: Invitae Variant Classification Sherloc (09022015). Collection method: clinical testing. Allele origin: germline.

Blueprint Genetics
Classification: Likely benign. Last evaluated: 2024-06-11. Review status: criteria provided, single submitter. Criteria: ACMG Guidelines, 2015. Collection method: clinical testing. Allele origin: germline.

PreventionGenetics, part of Exact Sciences
Classification: Likely benign for RSPH1-related condition. Last evaluated: 2019-04-18. Review status: no assertion criteria provided. Collection method: clinical testing. Allele origin: germline. Not counted in ClinVar's aggregate classification.
Comment: This variant is classified as likely benign based on ACMG/AMP sequence variant interpretation guidelines (Richards et al. 2015 PMID: 25741868, with internal and published modifications).